The following is an entry in ClinVar:

ClinVar aggregate classification (germline): Pathogenic. Review status: criteria provided, multiple submitters, no conflicts (2 of 4 stars). 2 submissions from 2 submitters: Pathogenic (2). Last evaluated 2024-10-30.

Conditions:
Ectodermal dysplasia 14, hair/tooth type with or without hypohidrosis. Identifiers: Orphanet 685067, MedGen C4748560, MONDO:0032584, OMIM 618180.

Submissions (2):

Labcorp Genetics (formerly Invitae), Labcorp
Classification: Pathogenic. Last evaluated: 2024-10-30. Review status: criteria provided, single submitter. Criteria: Invitae Variant Classification Sherloc (09022015). Collection method: clinical testing. Allele origin: germline.
Comment: This sequence change creates a premature translational stop signal (p.Ser505*) in the TSPEAR gene. It is expected to result in an absent or disrupted protein product. Loss-of-function variants in TSPEAR are known to be pathogenic (PMID: 34042254). This variant is not present in population databases (gnomAD no frequency). This variant has not been reported in the literature in individuals affected with TSPEAR-related conditions. ClinVar contains an entry for this variant (Variation ID: 1942560). For these reasons, this variant has been classified as Pathogenic.

3billion
Classification: Pathogenic for Ectodermal dysplasia 14, hair/tooth type with or without hypohidrosis. Last evaluated: 2024-06-20. Review status: criteria provided, single submitter. Criteria: ACMG Guidelines, 2015. Collection method: clinical testing. Allele origin: germline. Affected: yes.
Comment: The variant is not observed in the gnomAD v4.0.0 dataset. Predicted Consequence/Location: Stop-gained (nonsense): predicted to result in a loss or disruption of normal protein function through nonsense-mediated decay (NMD) or protein truncation. Multiple pathogenic variants are reported downstream of the variant. The variant has been reported to be associated with TSPEAR related disorder (ClinVar ID: VCV001942560). Therefore, this variant is classified as Pathogenic according to the recommendation of ACMG/AMP guideline.

Literature cited by the submitters: PubMed 34042254 (cited by Labcorp Genetics (formerly Invitae), Labcorp).

NM_144991.3(TSPEAR):c.1514C>A (p.Ser505Ter)

Gene: TSPEAR (thrombospondin type laminin G domain and EAR repeats; minus strand). Cytogenetic location: 21q22.3.
Variant type: single nucleotide variant.
Coding change: c.1514C>A on transcript NM_144991.3 (MANE Select); coding-DNA position 1514, C replaced by A.
Protein change: p.Ser505Ter; replaces serine 505 with a stop codon.
Molecular consequence: nonsense.
Genome position (GRCh38, 1-based): chr21:44,521,935, G>T on the plus strand (C>A on the coding strand, the complement: TSPEAR is on the minus strand). VCF-style: chr21-44521935-G-T. GRCh37 (hg19) VCF-style: chr21-45941818-G-T.
Other names: c.1310C>A, p.Ser437Ter (NM_001272037.2); short protein forms S505*, S437*.
Identifiers: ClinVar variation 1942560 (VCV001942560.6), dbSNP rs782338346, ClinGen allele CA410436735.